The following is an entry in ClinVar:

NM_153816.6(SNX14):c.913C>A (p.Pro305Thr)

Gene: SNX14 (sorting nexin 14; minus strand). Cytogenetic location: 6q14.3.
Variant type: single nucleotide variant.
Coding change: c.913C>A on transcript NM_153816.6 (MANE Select); coding-DNA position 913, C replaced by A.
Protein change: p.Pro305Thr; replaces proline 305 with threonine.
Molecular consequence: missense variant. On other transcripts: 5 prime UTR variant (7), non-coding transcript variant (6).
Genome position (GRCh38, 1-based): chr6:85,547,397, G>T on the plus strand (C>A on the coding strand, the complement: SNX14 is on the minus strand). VCF-style: chr6-85547397-G-T. GRCh37 (hg19) VCF-style: chr6-86257115-G-T.
Other names: c.913C>A, p.Pro305Thr (NM_001297614.3, NM_001350540.2, NM_001350541.2); c.757C>A, p.Pro253Thr (NM_001304479.2); c.976C>A, p.Pro326Thr (NM_001350532.2); c.910C>A, p.Pro304Thr (NM_001350533.2, NM_001350534.2, NM_001350535.2); c.781C>A, p.Pro261Thr (NM_001350536.2, NM_020468.6); c.778C>A, p.Pro260Thr (NM_001350537.2); c.769C>A, p.Pro257Thr (NM_001350538.2); c.754C>A, p.Pro252Thr (NM_001350539.2); and 7 more; short protein forms P205T, P209T, P257T, P260T, P157T, P261T, P253T, P304T.
Identifiers: ClinVar variation 1027833 (VCV001027833.1), dbSNP rs765192341, ClinGen allele CA364897155.

ClinVar aggregate classification (germline): Uncertain significance (1 of 4 stars; one submission).

Conditions:
Autosomal recessive spinocerebellar ataxia 20. Identifiers: Orphanet 397709, MedGen C5190595, MONDO:0014601, OMIM 616354.

Submission:

Baylor Genetics
Classification: Uncertain significance for Autosomal recessive spinocerebellar ataxia 20. Last evaluated: 2020-12-17. Review status: criteria provided, single submitter. Criteria: ACMG Guidelines, 2015. Collection method: clinical testing. Allele origin: unknown. Affected: yes.
Comment: This variant was determined to be of uncertain significance according to ACMG Guidelines, 2015 [PMID:25741868].